The following is an entry in ClinVar:

NM_017849.4(TMEM127):c.283G>A (p.Val95Ile)

Gene: TMEM127 (transmembrane protein 127; minus strand). Cytogenetic location: 2q11.2.
Variant type: single nucleotide variant.
Coding change: c.283G>A on transcript NM_017849.4 (MANE Select); coding-DNA position 283, G replaced by A.
Protein change: p.Val95Ile; replaces valine 95 with isoleucine.
Molecular consequence: missense variant.
Genome position (GRCh38, 1-based): chr2:96,254,959, C>T on the plus strand (G>A on the coding strand, the complement: TMEM127 is on the minus strand). VCF-style: chr2-96254959-C-T. GRCh37 (hg19) VCF-style: chr2-96920697-C-T.
Other names: c.283G>A, p.Val95Ile (NM_001193304.3); short protein forms V95I.
Identifiers: ClinVar variation 1520066 (VCV001520066.8), dbSNP rs2104287727, ClinGen allele CA347653581.

ClinVar aggregate classification (germline): Uncertain significance (1 of 4 stars; one submission).

Conditions:
Hereditary pheochromocytoma and paraganglioma. Also called: Hereditary paragangliomas and pheochromocytomas; Hereditary Paraganglioma-Pheochromocytoma Syndromes; Hereditary pheochromocytoma-paraganglioma. Identifiers: Orphanet 29072, MedGen C4274332, MONDO:0017366.

Submission:

Labcorp Genetics (formerly Invitae), Labcorp
Classification: Uncertain significance for Hereditary pheochromocytoma and paraganglioma. Last evaluated: 2021-01-31. Review status: criteria provided, single submitter. Criteria: Invitae Variant Classification Sherloc (09022015). Collection method: clinical testing. Allele origin: germline.
Comment: In summary, the available evidence is currently insufficient to determine the role of this variant in disease. Therefore, it has been classified as a Variant of Uncertain Significance. Algorithms developed to predict the effect of missense changes on protein structure and function (SIFT, PolyPhen-2, Align-GVGD) all suggest that this variant is likely to be disruptive, but these predictions have not been confirmed by published functional studies and their clinical significance is uncertain. This variant has not been reported in the literature in individuals with TMEM127-related conditions. This variant is not present in population databases (ExAC no frequency). This sequence change replaces valine with isoleucine at codon 95 of the TMEM127 protein (p.Val95Ile). The valine residue is highly conserved and there is a small physicochemical difference between valine and isoleucine.